The following is an entry in ClinVar:

NM_000321.3(RB1):c.2198A>T (p.His733Leu)

Gene: RB1 (RB transcriptional corepressor 1; plus strand). Cytogenetic location: 13q14.2.
Variant type: single nucleotide variant.
Coding change: c.2198A>T on transcript NM_000321.3 (MANE Select); coding-DNA position 2198, A replaced by T.
Protein change: p.His733Leu; replaces histidine 733 with leucine.
Molecular consequence: missense variant.
Genome position (GRCh38, 1-based): chr13:48,463,822, A>T. VCF-style: chr13-48463822-A-T. GRCh37 (hg19) VCF-style: chr13-49037958-A-T.
Other names: short protein forms H733L.
Identifiers: ClinVar variation 820872 (VCV000820872.16), dbSNP rs778503152, ClinGen allele CA249309812.
Genomic context (GRCh38, chr13:48,463,822, plus strand): 5'-AAGTGAAGAATATAGACCTTAAATTCAAAATCATTGTAACAGCATACAAGGATCTTCCTC[A>T]TGCTGTTCAGGAGGTAGGTAATTTTCCATAGTAAGTTTTTTTGATAAATCCATATCCATA-3'
Protein context (NP_000312.2, residues 723-743): IIVTAYKDLP[His733Leu]AVQETFKRVL

ClinVar aggregate classification (germline): Conflicting classifications of pathogenicity. Review status: criteria provided, conflicting classifications (1 of 4 stars). 5 submissions from 5 submitters: Uncertain significance (3); Likely benign (2). Last evaluated 2026-03-05.

Conditions:
Hereditary cancer-predisposing syndrome. Also called: Tumor predisposition; Neoplastic Syndromes, Hereditary; Hereditary Cancer Syndrome; Hereditary neoplastic syndrome. Identifiers: Orphanet 140162, MedGen C0027672, MeSH D009386, MONDO:0015356.
Retinoblastoma (RB1). Also called: RETINOBLASTOMA, SOMATIC. Identifiers: Orphanet 790, MedGen C0035335, MeSH D012175, MONDO:0008380, OMIM 180200, HP:0009919. Disease mechanism: loss of function. Inheritance: Both sporadic and heritable forms are tested..

Allele frequency attached by ClinVar (database versions not stated): gnomAD 0.00001; TOPMed 0.00001.
gnomAD v4.1: 32 of 1,599,688 alleles (0.002%); highest among the groups gnomAD compares: Non-Finnish European, 0.0027%; no homozygotes.

Submissions (5):

Ambry Genetics
Classification: Likely benign for Hereditary cancer-predisposing syndrome. Last evaluated: 2026-03-05. Review status: criteria provided, single submitter. Criteria: Ambry Variant Classification Scheme 2023. Collection method: clinical testing. Allele origin: germline.

Labcorp Genetics (formerly Invitae), Labcorp
Classification: Likely benign for Retinoblastoma. Last evaluated: 2025-12-30. Review status: criteria provided, single submitter. Criteria: Invitae Variant Classification Sherloc (09022015). Collection method: clinical testing. Allele origin: germline.

Color Diagnostics, LLC DBA Color Health
Classification: Uncertain significance for Retinoblastoma. Last evaluated: 2024-03-06. Review status: criteria provided, single submitter. Criteria: ACMG Guidelines, 2015. Collection method: clinical testing. Allele origin: germline.
Comment: This missense variant replaces histidine with leucine at codon 733 of the RB1 protein. Computational prediction is inconclusive regarding the impact of this variant on protein structure and function. To our knowledge, functional studies have not been reported for this variant. This variant has not been reported in individuals affected with RB1-related disorders in the literature. This variant has not been identified in the general population by the Genome Aggregation Database (gnomAD). The available evidence is insufficient to determine the role of this variant in disease conclusively. Therefore, this variant is classified as a Variant of Uncertain Significance.

All of Us Research Program, National Institutes of Health
Classification: Uncertain significance for Retinoblastoma. Last evaluated: 2023-08-08. Review status: criteria provided, single submitter. Criteria: ACMG Guidelines, 2015. Collection method: clinical testing. Allele origin: germline. Inheritance: Autosomal dominant inheritance. Observed: 2 variant alleles, 2 heterozygotes.
Comment: This missense variant replaces histidine with leucine at codon 733 of the RB1 protein. Computational prediction is inconclusive regarding the impact of this variant on protein structure and function (internally defined REVEL score threshold 0.5 < inconclusive < 0.7, PMID: 27666373). To our knowledge, functional studies have not been reported for this variant. This variant has not been reported in individuals affected with RB1-related disorders in the literature. This variant has not been identified in the general population by the Genome Aggregation Database (gnomAD). The available evidence is insufficient to determine the role of this variant in disease conclusively. Therefore, this variant is classified as a Variant of Uncertain Significance.

This study involves interpretation of variants in research participants for the purpose of population health screening. Participant phenotype was not available at the time of variant classification. Additional details can be found in publication PMID: 35346344, PMCID: PMC8962531

GeneDx
Classification: Uncertain significance. Last evaluated: 2023-04-19. Review status: criteria provided, single submitter. Criteria: GeneDx Variant Classification Process June 2021. Collection method: clinical testing. Allele origin: germline. Affected: yes.
Comment: Not observed at significant frequency in large population cohorts (gnomAD); In silico analysis supports that this missense variant has a deleterious effect on protein structure/function; Has not been previously published as pathogenic or benign to our knowledge; This variant is associated with the following publications: (PMID: Day alan_2006_Review)